The following is an entry in ClinVar:

ClinVar aggregate classification (germline): Uncertain significance (1 of 4 stars; one submission).

Submission:

Quest Diagnostics Nichols Institute San Juan Capistrano
Classification: Uncertain significance. Last evaluated: 2024-08-15. Review status: criteria provided, single submitter. Criteria: Quest Diagnostics criteria. Collection method: clinical testing. Allele origin: unknown.
Comment: The MRE11 c.1994+8C>G variant has not been reported in individuals with MRE11-related conditions in the published literature. It also has not been reported in large, multi-ethnic general populations (Genome Aggregation Database). Analysis of this variant using software algorithms for the prediction of the effect of nucleotide changes on splicing yielded predictions that this variant does not affect MRE11 mRNA splicing. Based on the available information, we are unable to determine the clinical significance of this variant.

NM_005591.4(MRE11):c.1994+8C>G

Gene: MRE11 (MRE11 homolog, double strand break repair nuclease; minus strand). Cytogenetic location: 11q21.
Variant type: single nucleotide variant.
Coding change: c.1994+8C>G on transcript NM_005591.4 (MANE Select); 8 bases into the intron after coding-DNA position 1994, C replaced by G.
Molecular consequence: intron variant.
Genome position (GRCh38, 1-based): chr11:94,435,824, G>C on the plus strand (C>G on the coding strand, the complement: MRE11 is on the minus strand). VCF-style: chr11-94435824-G-C. GRCh37 (hg19) VCF-style: chr11-94168990-G-C.
Other names: c.1991+8C>G (NM_001330347.2); c.1910+8C>G (NM_005590.4).
Identifiers: ClinVar variation 3572252 (VCV003572252.1).
Genomic context (GRCh38, chr11:94,435,824, plus strand): 5'-ACTTTGGAATTCTGGATAATTTTTAATTTTTTTCAGATGTTTCTTTTGCAGAAAATCACT[G>C]CACCTACCTTTGATCTGTCTTTGAAGTGGTAGGAAAAATGTCTTCTTCCACATCTGATTC-3'